The following is an entry in ClinVar:

NM_000352.6(ABCC8):c.4653G>A (p.Leu1551=)

Gene: ABCC8 (ATP binding cassette subfamily C member 8; minus strand). Cytogenetic location: 11p15.1.
Variant type: single nucleotide variant.
Coding change: c.4653G>A on transcript NM_000352.6 (MANE Select); coding-DNA position 4653, G replaced by A.
Protein change: p.Leu1551=; no amino-acid change (leucine 1551 retained).
Molecular consequence: synonymous variant. On other transcripts: non-coding transcript variant (1).
Genome position (GRCh38, 1-based): chr11:17,393,084, C>T on the plus strand (G>A on the coding strand, the complement: ABCC8 is on the minus strand). VCF-style: chr11-17393084-C-T. GRCh37 (hg19) VCF-style: chr11-17414631-C-T.
Other names: c.4656G>A, p.Leu1552= (NM_001287174.3); c.4719G>A, p.Leu1573= (NM_001351295.2); c.4653G>A, p.Leu1551= (NM_001351296.2); c.4650G>A, p.Leu1550= (NM_001351297.2).
Identifiers: ClinVar variation 752172 (VCV000752172.10), dbSNP rs17846721, ClinGen allele CA5902390.
Genomic context (GRCh38, chr11:17,393,084, plus strand): 5'-GCTGTCCTTCCGGCTGAGCAGCTTCTCTGGCTTATCGAACTCAAGGATGGCACCCCGCTT[C>T]AGGACGATCACCAGGTCTGCACTCAGGATGGTGTGCACTCGATGCTGGGCAGGGCAGGAG-3'
Protein context (NP_000343.2, residues 1541-1561): TILSADLVIV[Leu1551=]KRGAILEFDK

ClinVar aggregate classification (germline): Conflicting classifications of pathogenicity. Review status: criteria provided, conflicting classifications (1 of 4 stars). 3 submissions from 2 submitters: Uncertain significance (2); Likely benign (1). Last evaluated 2023-09-08.

Conditions:
Maturity-onset diabetes of the young (MODY). Also called: Maturity onset diabetes mellitus in young. Identifiers: Orphanet 552, MedGen C0342276, MONDO:0018911, HP:0004904.
Transitory neonatal diabetes mellitus. Also called: Transient neonatal diabetes mellitus. Identifiers: MedGen C0342273, MONDO:0020525, HP:0008255.

Allele frequency attached by ClinVar (database versions not stated): gnomAD exomes below 0.00001 and 0.00004; TOPMed below 0.00001; ExAC 0.00001; gnomAD 0.00001.
gnomAD v4.1: 28 of 1,613,936 alleles (0.0017%); highest among the groups gnomAD compares: East Asian, 0.062%; no homozygotes.

Submissions (3):

Labcorp Genetics (formerly Invitae), Labcorp
Classification: Likely benign. Last evaluated: 2023-09-08. Review status: criteria provided, single submitter. Criteria: Invitae Variant Classification Sherloc (09022015). Collection method: clinical testing. Allele origin: germline.

Clinical Genomics, Uppaluri K&H Personalized Medicine Clinic
Classification: Uncertain significance for Transitory neonatal diabetes mellitus. Review status: criteria provided, single submitter. Criteria: K & H Uppaluri Personalized Medicine Clinic Variant Classification & Assertion Criteria_Updated V.1. Collection method: research. Allele origin: somatic. Inheritance: Somatic mutation.
Comment: Mutations in ABCC8 gene are associated with both neonatal diabetes mellitus as well as MODY. Patients with this mutation may have a better response to sulfonylureas. However, no sufficient evidence is found to ascertain the role of this particular variant (rs17846721 ) in neonatal diabetes yet.

Clinical Genomics, Uppaluri K&H Personalized Medicine Clinic
Classification: Uncertain significance for Maturity-onset diabetes of the young. Review status: criteria provided, single submitter. Criteria: K & H Uppaluri Personalized Medicine Clinic Variant Classification & Assertion Criteria_Updated V.1. Collection method: research. Allele origin: somatic. Inheritance: Somatic mutation.
Comment: Mutations in ABCC8 gene are associated with both neonatal diabetes mellitus as well as MODY. Patients with this mutation may have a better response to sulfonylureas. However, no sufficient evidence is found to ascertain the role of this particular variant (rs17846721 ) in MODY yet.

Literature cited by the submitters: PubMed 16885549 (cited by Clinical Genomics, Uppaluri K&H Personalized Medicine Clinic); PubMed 21989597 (cited by Clinical Genomics, Uppaluri K&H Personalized Medicine Clinic); PubMed 27538677 (cited by Clinical Genomics, Uppaluri K&H Personalized Medicine Clinic); PubMed 18981553 (cited by Clinical Genomics, Uppaluri K&H Personalized Medicine Clinic); PubMed 32027066 (cited by Clinical Genomics, Uppaluri K&H Personalized Medicine Clinic); PubMed 16613899 (cited by Clinical Genomics, Uppaluri K&H Personalized Medicine Clinic); PubMed 18025408 (cited by Clinical Genomics, Uppaluri K&H Personalized Medicine Clinic); PubMed 32792356 (cited by Clinical Genomics, Uppaluri K&H Personalized Medicine Clinic).